The following is an entry in ClinVar:

NM_000400.4(ERCC2):c.959C>T (p.Pro320Leu)

Gene: ERCC2 (ERCC excision repair 2, TFIIH core complex helicase subunit; minus strand). Cytogenetic location: 19q13.32.
Variant type: single nucleotide variant.
Coding change: c.959C>T on transcript NM_000400.4 (MANE Select); coding-DNA position 959, C replaced by T.
Protein change: p.Pro320Leu; replaces proline 320 with leucine.
Molecular consequence: missense variant.
Genome position (GRCh38, 1-based): chr19:45,363,902, G>A on the plus strand (C>T on the coding strand, the complement: ERCC2 is on the minus strand). VCF-style: chr19-45363902-G-A. GRCh37 (hg19) VCF-style: chr19-45867160-G-A.
Other names: c.887C>T, p.Pro296Leu (NM_001130867.2); short protein forms P320L, P296L.
Identifiers: ClinVar variation 3509859 (VCV003509859.1).

ClinVar aggregate classification (germline): Uncertain significance (1 of 4 stars; one submission).

Conditions:
Inborn genetic diseases. Identifiers: MedGen C0950123, MeSH D030342.

Submission:

Ambry Genetics
Classification: Uncertain significance for Inborn genetic diseases. Last evaluated: 2024-09-02. Review status: criteria provided, single submitter. Criteria: Ambry Variant Classification Scheme 2023. Collection method: clinical testing. Allele origin: germline.
Comment: The p.P320L variant (also known as c.959C>T), located in coding exon 11 of the ERCC2 gene, results from a C to T substitution at nucleotide position 959. The proline at codon 320 is replaced by leucine, an amino acid with similar properties. This amino acid position is conserved. In addition, this alteration is predicted to be deleterious by in silico analysis. Based on the available evidence, the clinical significance of this variant remains unclear.